The following is an entry in ClinVar:

NM_006445.4(PRPF8):c.5466C>T (p.Ile1822=)

Gene: PRPF8 (pre-mRNA processing factor 8; minus strand). Cytogenetic location: 17p13.3.
Variant type: single nucleotide variant.
Coding change: c.5466C>T on transcript NM_006445.4 (MANE Select); coding-DNA position 5466, C replaced by T.
Protein change: p.Ile1822=; no amino-acid change (isoleucine 1822 retained).
Molecular consequence: synonymous variant.
Genome position (GRCh38, 1-based): chr17:1,658,292, G>A on the plus strand (C>T on the coding strand, the complement: PRPF8 is on the minus strand). VCF-style: chr17-1658292-G-A. GRCh37 (hg19) VCF-style: chr17-1561586-G-A.
Identifiers: ClinVar variation 891254 (VCV000891254.12), dbSNP rs192097342, ClinGen allele CA8271414.

ClinVar aggregate classification (germline): Benign/Likely benign. Review status: criteria provided, multiple submitters, no conflicts (2 of 4 stars). 3 submissions from 3 submitters: Benign (1); Likely benign (2). Last evaluated 2025-10-12.

Conditions:
PRPF8-related disorder. Also called: PRPF8-related condition.
Retinitis pigmentosa (RP). Identifiers: Orphanet 791, MedGen C0035334, MeSH D012174, MONDO:0019200, OMIM 268000. Inheritance: Autosomal dominant, autosomal recessive and X linked inheritance.

Allele frequency attached by ClinVar (database versions not stated): ESP Exome Variant Server 0.00008; TOPMed 0.00015; 1000 Genomes Project 30x 0.00031; 1000 Genomes Project 0.00040; gnomAD exomes 0.00071 and 0.00177; gnomAD 0.00119 and 0.00127; ExAC 0.00170.
gnomAD v4.1: 1,230 of 1,614,204 alleles (0.076%); highest among the groups gnomAD compares: Non-Finnish European, 0.023%; 8 homozygotes.

Submissions (3):

Labcorp Genetics (formerly Invitae), Labcorp
Classification: Benign. Last evaluated: 2025-10-12. Review status: criteria provided, single submitter. Criteria: Invitae Variant Classification Sherloc (09022015). Collection method: clinical testing. Allele origin: germline.

PreventionGenetics, part of Exact Sciences
Classification: Likely benign for PRPF8-related condition. Last evaluated: 2024-12-13. Review status: criteria provided, single submitter. Criteria: ACMG Guidelines, 2015. Collection method: clinical testing. Allele origin: germline.
Comment: This variant is classified as likely benign based on ACMG/AMP sequence variant interpretation guidelines (Richards et al. 2015 PMID: 25741868, with internal and published modifications).

Illumina Laboratory Services, Illumina
Classification: Likely benign for Retinitis pigmentosa. Last evaluated: 2018-01-12. Review status: criteria provided, single submitter. Criteria: ICSL Variant Classification Criteria 13 December 2019. Collection method: clinical testing. Allele origin: germline.
Comment: This variant was observed in the ICSL laboratory as part of a predisposition screen in an ostensibly healthy population. It had not been previously curated by ICSL or reported in the Human Gene Mutation Database (HGMD: prior to June 1st, 2018), and was therefore a candidate for classification through an automated scoring system. Utilizing variant allele frequency, disease prevalence and penetrance estimates, and inheritance mode, an automated score was calculated to assess if this variant is too frequent to cause the disease. Based on the score and internal cut-off values, a variant classified as likely benign is not then subjected to further curation. The score for this variant resulted in a classification of likely benign for this disease.